The following is an entry in ClinVar:

NM_020774.4(MIB1):c.2779+1G>C

Gene: MIB1 (MIB E3 ubiquitin protein ligase 1; plus strand). Cytogenetic location: 18q11.2.
Variant type: single nucleotide variant.
Coding change: c.2779+1G>C on transcript NM_020774.4 (MANE Select); the canonical splice donor site of the intron after coding-DNA position 2779, G replaced by C.
Molecular consequence: splice donor variant.
Genome position (GRCh38, 1-based): chr18:21,857,244, G>C. VCF-style: chr18-21857244-G-C. GRCh37 (hg19) VCF-style: chr18-19437205-G-C.
Identifiers: ClinVar variation 1032855 (VCV001032855.2), dbSNP rs570099048, ClinGen allele CA401797682.

ClinVar aggregate classification (germline): Uncertain significance. Review status: criteria provided, multiple submitters, no conflicts (2 of 4 stars). 2 submissions from 2 submitters: Uncertain significance (2). Last evaluated 2024-04-01.

Conditions:
Left ventricular noncompaction 7 (LVNC7). Identifiers: Orphanet 54260, MedGen C3554496, MONDO:0014042, OMIM 615092.

Allele frequency attached by ClinVar (database versions not stated): TOPMed below 0.00001; gnomAD 0.00001.
gnomAD v4.1: 5 of 1,602,674 alleles (0.00031%); highest among the groups gnomAD compares: Non-Finnish European, 0.00034%; no homozygotes.

Submissions (2):

Daryl Scott Lab, Baylor College of Medicine
Classification: Uncertain significance for Left ventricular noncompaction 7. Last evaluated: 2024-04-01. Review status: criteria provided, single submitter. Criteria: ACMG Guidelines, 2015. Collection method: clinical testing. Allele origin: de novo. Observed: 1 heterozygote.
Comment: PS2, PP3

Baylor Genetics
Classification: Uncertain significance for Left ventricular noncompaction 7. Last evaluated: 2018-09-05. Review status: criteria provided, single submitter. Criteria: ACMG Guidelines, 2015. Collection method: clinical testing. Allele origin: de novo. Affected: yes.
Comment: This variant was determined to be of uncertain significance according to ACMG Guidelines, 2015 [PMID:25741868]. Although a stopgain variant c.1588C>T(p.R530X) has been reported as disease-causing in a LVNC affected family [PMID:23314057], current data are not sufficient enough to support loss of function as a possible disease mechanism for LVNC

Literature cited by the submitters: PubMed 23314057 (cited by Baylor Genetics).